The following is an entry in ClinVar:

NM_152564.5(VPS13B):c.7018_7019del (p.Asp2339_Ile2340insTer)

Gene: VPS13B (vacuolar protein sorting 13 homolog B; plus strand). Cytogenetic location: 8q22.2.
Variant type: Microsatellite.
Coding change: c.7018_7019del on transcript NM_152564.5 (MANE Select); coding-DNA positions 7018 to 7019, 2 bases deleted (AT; older notation c.7018_7019delAT).
Protein change: p.Asp2339_Ile2340insTer.
Molecular consequence: nonsense.
Genome position (GRCh38, 1-based): chr8:99,721,015-99,721,016, AT deleted; deleting any 2 consecutive bases within chr8:99,721,013-99,721,016 gives the same sequence; the c. name uses the placement nearest the transcript's 3' end. VCF-style (leftmost placement, unchanged base first): chr8-99721012-GAT-G. GRCh37 (hg19) VCF-style: chr8-100733240-GAT-G.
Other names: c.7093_7094del, p.Asp2364_Ile2365insTer (NM_017890.5).
Identifiers: ClinVar variation 4851267 (VCV004851267.1).

ClinVar aggregate classification (germline): Likely pathogenic (1 of 4 stars; one submission).

Conditions:
Cohen syndrome (COH1). Also called: PEPPER SYNDROME; Cutis verticis gyrata, retinitis pigmentosa, and sensorineural deafness. Identifiers: Orphanet 193, MedGen C0265223, MONDO:0008999, OMIM 216550.

Submission:

Kasturba Medical College, Manipal, Kasturba Medical College, Manipal, Manipal Academy of Higher Education, Manipal, India
Classification: Likely pathogenic for Cohen syndrome. Last evaluated: 2026-05-11. Review status: criteria provided, single submitter. Criteria: ACMG Guidelines, 2015. Collection method: research. Allele origin: biparental. Inheritance: Autosomal recessive inheritance. Affected: yes. Observed: 1 variant allele, 1 homozygote.
Comment: This variant is absent in heterozygous and/or homozygous state in our in-house database of 4238 exomes and gnomAD population database (v4.1.0). The variant is predicted to cause a shift in the reading frame of the transcript introducing a premature termination codon which will either lead to the formation of a truncated protein product or cause nonsense-mediated mRNA decay.